The following is an entry in ClinVar:

NM_206933.4(USH2A):c.9121A>C (p.Thr3041Pro)

Gene: USH2A (usherin; minus strand). Cytogenetic location: 1q41.
Variant type: single nucleotide variant.
Coding change: c.9121A>C on transcript NM_206933.4 (MANE Select); coding-DNA position 9121, A replaced by C.
Protein change: p.Thr3041Pro; replaces threonine 3041 with proline.
Molecular consequence: missense variant.
Genome position (GRCh38, 1-based): chr1:215,844,431, T>G on the plus strand (A>C on the coding strand, the complement: USH2A is on the minus strand). VCF-style: chr1-215844431-T-G. GRCh37 (hg19) VCF-style: chr1-216017773-T-G.
Other names: short protein forms T3041P.
Identifiers: ClinVar variation 1377596 (VCV001377596.5), dbSNP rs1663782195, ClinGen allele CA344838975.
Genomic context (GRCh38, chr1:215,844,431, plus strand): 5'-GCTTATTATTTACATAGATAGAATACTCAGTGACAACACCATTTGGGTTTGAAGGAGATG[T>G]CCAGATGACACGTACAGCTGTACTGTTGATGATGACAACCTCTGGAGGAAGCATGCCCTG-3'
Protein context (NP_996816.3, residues 3031-3051): INSTAVRVIW[Thr3041Pro]SPSNPNGVVT

ClinVar aggregate classification (germline): Uncertain significance (1 of 4 stars; one submission).

Submission:

Labcorp Genetics (formerly Invitae), Labcorp
Classification: Uncertain significance. Last evaluated: 2024-10-08. Review status: criteria provided, single submitter. Criteria: Invitae Variant Classification Sherloc (09022015). Collection method: clinical testing. Allele origin: germline.
Comment: This sequence change replaces threonine, which is neutral and polar, with proline, which is neutral and non-polar, at codon 3041 of the USH2A protein (p.Thr3041Pro). This variant is not present in population databases (gnomAD no frequency). This variant has not been reported in the literature in individuals affected with USH2A-related conditions. ClinVar contains an entry for this variant (Variation ID: 1377596). Invitae Evidence Modeling of protein sequence and biophysical properties (such as structural, functional, and spatial information, amino acid conservation, physicochemical variation, residue mobility, and thermodynamic stability) indicates that this missense variant is not expected to disrupt USH2A protein function with a negative predictive value of 95%. In summary, the available evidence is currently insufficient to determine the role of this variant in disease. Therefore, it has been classified as a Variant of Uncertain Significance.